The following is an entry in ClinVar:

NM_198994.3(TGM6):c.1916G>C (p.Cys639Ser)

Gene: TGM6 (transglutaminase 6; plus strand). Cytogenetic location: 20p13.
Variant type: single nucleotide variant.
Coding change: c.1916G>C on transcript NM_198994.3 (MANE Select); coding-DNA position 1916, G replaced by C.
Protein change: p.Cys639Ser; replaces cysteine 639 with serine.
Molecular consequence: missense variant. On other transcripts: intron variant (1).
Genome position (GRCh38, 1-based): chr20:2,430,976, G>C. VCF-style: chr20-2430976-G-C. GRCh37 (hg19) VCF-style: chr20-2411622-G-C.
Other names: c.1833+376G>C (NM_001254734.2); short protein forms C639S.
Identifiers: ClinVar variation 2300530 (VCV002300530.28), dbSNP rs1056866797, ClinGen allele CA310860275.

ClinVar aggregate classification (germline): Conflicting classifications of pathogenicity. Review status: criteria provided, conflicting classifications (1 of 4 stars). 3 submissions from 3 submitters: Uncertain significance (2); Likely benign (1). Last evaluated 2025-07-02.

Conditions:
Inborn genetic diseases. Identifiers: MedGen C0950123, MeSH D030342.

Allele frequency attached by ClinVar (database versions not stated): gnomAD exomes 0.00001; gnomAD 0.00002; TOPMed 0.00002.

Submissions (3):

Labcorp Genetics (formerly Invitae), Labcorp
Classification: Uncertain significance. Last evaluated: 2025-07-02. Review status: criteria provided, single submitter. Criteria: Invitae Variant Classification Sherloc (09022015). Collection method: clinical testing. Allele origin: germline.
Comment: This sequence change replaces cysteine, which is neutral and slightly polar, with serine, which is neutral and polar, at codon 639 of the TGM6 protein (p.Cys639Ser). This variant is present in population databases (no rsID available, gnomAD 0.0009%). This variant has not been reported in the literature in individuals affected with TGM6-related conditions. ClinVar contains an entry for this variant (Variation ID: 2300530). Invitae Evidence Modeling of protein sequence and biophysical properties (such as structural, functional, and spatial information, amino acid conservation, physicochemical variation, residue mobility, and thermodynamic stability) indicates that this missense variant is not expected to disrupt TGM6 protein function with a negative predictive value of 80%. In summary, the available evidence is currently insufficient to determine the role of this variant in disease. Therefore, it has been classified as a Variant of Uncertain Significance.

CeGaT Center for Human Genetics Tuebingen
Classification: Likely benign. Last evaluated: 2023-01-01. Review status: criteria provided, single submitter. Criteria: CeGaT Center For Human Genetics Tuebingen Variant Classification Criteria Version 2. Collection method: clinical testing. Allele origin: germline. Affected: yes. Observed: 1 variant allele.
Comment: TGM6: BP4

Ambry Genetics
Classification: Uncertain significance for Inborn genetic diseases. Last evaluated: 2022-07-11. Review status: criteria provided, single submitter. Criteria: Ambry Variant Classification Scheme 2023. Collection method: clinical testing. Allele origin: germline.